The following is an entry in ClinVar:

NM_020461.4(TUBGCP6):c.955G>T (p.Ala319Ser)

Gene: TUBGCP6 (tubulin gamma complex component 6; minus strand). Cytogenetic location: 22q13.33.
Variant type: single nucleotide variant.
Coding change: c.955G>T on transcript NM_020461.4 (MANE Select); coding-DNA position 955, G replaced by T.
Protein change: p.Ala319Ser; replaces alanine 319 with serine.
Molecular consequence: missense variant.
Genome position (GRCh38, 1-based): chr22:50,233,477, C>A on the plus strand (G>T on the coding strand, the complement: TUBGCP6 is on the minus strand). VCF-style: chr22-50233477-C-A. GRCh37 (hg19) VCF-style: chr22-50671906-C-A.
Other names: short protein forms A319S.
Identifiers: ClinVar variation 2100610 (VCV002100610.4), dbSNP rs752206409, ClinGen allele CA412110242.

ClinVar aggregate classification (germline): Uncertain significance (1 of 4 stars; one submission).

gnomAD v4.1: 1 of 1,611,774 alleles (0.000062%); highest among the groups gnomAD compares: Non-Finnish European, 0.000085%; no homozygotes.

Submission:

Labcorp Genetics (formerly Invitae), Labcorp
Classification: Uncertain significance. Last evaluated: 2022-02-20. Review status: criteria provided, single submitter. Criteria: Invitae Variant Classification Sherloc (09022015). Collection method: clinical testing. Allele origin: germline.
Comment: In summary, the available evidence is currently insufficient to determine the role of this variant in disease. Therefore, it has been classified as a Variant of Uncertain Significance. Algorithms developed to predict the effect of missense changes on protein structure and function (SIFT, PolyPhen-2, Align-GVGD) all suggest that this variant is likely to be tolerated. This variant has not been reported in the literature in individuals affected with TUBGCP6-related conditions. This variant is not present in population databases (gnomAD no frequency). This sequence change replaces alanine, which is neutral and non-polar, with serine, which is neutral and polar, at codon 319 of the TUBGCP6 protein (p.Ala319Ser).